The following is an entry in ClinVar:

NM_004036.5(ADCY3):c.1235G>C (p.Arg412Pro)

Gene: ADCY3 (adenylate cyclase 3; minus strand). Cytogenetic location: 2p23.3.
Variant type: single nucleotide variant.
Coding change: c.1235G>C on transcript NM_004036.5 (MANE Select); coding-DNA position 1235, G replaced by C.
Protein change: p.Arg412Pro; replaces arginine 412 with proline.
Molecular consequence: missense variant.
Genome position (GRCh38, 1-based): chr2:24,839,993, C>G on the plus strand (G>C on the coding strand, the complement: ADCY3 is on the minus strand). VCF-style: chr2-24839993-C-G. GRCh37 (hg19) VCF-style: chr2-25062862-C-G.
Other names: c.1235G>C, p.Arg412Pro (NM_001320613.2, NM_001377128.1, NM_001377129.1 and 2 more transcripts); c.512G>C, p.Arg171Pro (NM_001377131.1); short protein forms R171P, R412P.
Identifiers: ClinVar variation 3356526 (VCV003356526.1).

ClinVar aggregate classification (germline): Uncertain significance (0 of 4 stars; one submission).

Conditions:
ADCY3-related disorder. Also called: ADCY3-related condition.

Submission:

PreventionGenetics, part of Exact Sciences
Classification: Uncertain significance for ADCY3-related condition. Last evaluated: 2023-12-27. Review status: no assertion criteria provided. Collection method: clinical testing. Allele origin: germline.
Comment: The ADCY3 c.1235G>C variant is predicted to result in the amino acid substitution p.Arg412Pro. To our knowledge, this variant has not been reported in the literature or in a large population database, indicating this variant is rare. At this time, the clinical significance of this variant is uncertain due to the absence of conclusive functional and genetic evidence.